The following is an entry in ClinVar:

ClinVar aggregate classification (germline): Uncertain significance. Review status: criteria provided, multiple submitters, no conflicts (2 of 4 stars). 2 submissions from 2 submitters: Uncertain significance (2). Last evaluated 2024-01-18.

gnomAD v4.1: 8 of 1,613,850 alleles (0.0005%); highest among the groups gnomAD compares: African/African-American, 0.0027%; no homozygotes.

Submissions (2):

GeneDx
Classification: Uncertain significance. Last evaluated: 2024-01-18. Review status: criteria provided, single submitter. Criteria: GeneDx Variant Classification Process June 2021. Collection method: clinical testing. Allele origin: germline. Affected: yes.
Comment: Not observed at significant frequency in large population cohorts (gnomAD); In silico analysis supports that this missense variant does not alter protein structure/function; Has not been previously published as pathogenic or benign to our knowledge

Blueprint Genetics
Classification: Uncertain significance. Last evaluated: 2022-09-15. Review status: criteria provided, single submitter. Criteria: ACMG Guidelines, 2015. Collection method: clinical testing. Allele origin: germline.

NM_032119.4(ADGRV1):c.7710A>G (p.Ile2570Met)

Gene: ADGRV1 (adhesion G protein-coupled receptor V1; plus strand). Cytogenetic location: 5q14.3.
Variant type: single nucleotide variant.
Coding change: c.7710A>G on transcript NM_032119.4 (MANE Select); coding-DNA position 7710, A replaced by G.
Protein change: p.Ile2570Met; replaces isoleucine 2570 with methionine.
Molecular consequence: missense variant. On other transcripts: non-coding transcript variant (1).
Genome position (GRCh38, 1-based): chr5:90,694,466, A>G. VCF-style: chr5-90694466-A-G. GRCh37 (hg19) VCF-style: chr5-89990283-A-G.
Other names: short protein forms I2570M.
Identifiers: ClinVar variation 3360858 (VCV003360858.2).
Genomic context (GRCh38, chr5:90,694,466, plus strand): 5'-TTCAGCCAGTTTGAAAAATCAGCCAACCATAGGACAGCCAAATATTTCTACAGTTGTCAT[A>G]GCACTAAATGGTGATGCCTTTGGAGTGTTTGTGATCTACAATATTAGTCCCAATACTTCC-3'
Protein context (NP_115495.3, residues 2560-2580): IGQPNISTVV[Ile2570Met]ALNGDAFGVF